The following is an entry in ClinVar:

NM_002519.3(NPAT):c.4157G>A (p.Ser1386Asn)

Gene: NPAT (nuclear protein, coactivator of histone transcription; minus strand). Cytogenetic location: 11q22.3.
Variant type: single nucleotide variant.
Coding change: c.4157G>A on transcript NM_002519.3 (MANE Select); coding-DNA position 4157, G replaced by A.
Protein change: p.Ser1386Asn; replaces serine 1386 with asparagine.
Molecular consequence: missense variant.
Genome position (GRCh38, 1-based): chr11:108,160,929, C>T on the plus strand (G>A on the coding strand, the complement: NPAT is on the minus strand). VCF-style: chr11-108160929-C-T. GRCh37 (hg19) VCF-style: chr11-108031656-C-T.
Other names: c.4178G>A, p.Ser1393Asn (NM_001321307.1); short protein forms S1386N, S1393N.
Identifiers: ClinVar variation 1738303 (VCV001738303.5), dbSNP rs781529538, ClinGen allele CA382509249.

ClinVar aggregate classification (germline): Conflicting classifications of pathogenicity. Review status: criteria provided, conflicting classifications (1 of 4 stars). 2 submissions from 2 submitters: Uncertain significance (1); Likely benign (1). Last evaluated 2023-04-10.

Allele frequency attached by ClinVar (database versions not stated): gnomAD 0.00001; TOPMed 0.00001.
gnomAD v4.1: 2 of 1,613,940 alleles (0.00012%); highest among the groups gnomAD compares: African/African-American, 0.0027%; no homozygotes.

Submissions (2):

Labcorp Genetics (formerly Invitae), Labcorp
Classification: Uncertain significance. Last evaluated: 2023-04-10. Review status: criteria provided, single submitter. Criteria: Invitae Variant Classification Sherloc (09022015). Collection method: clinical testing. Allele origin: germline.
Comment: In summary, the available evidence is currently insufficient to determine the role of this variant in disease. Therefore, it has been classified as a Variant of Uncertain Significance. Algorithms developed to predict the effect of missense changes on protein structure and function output the following: SIFT: "Not Available"; PolyPhen-2: "Benign"; Align-GVGD: "Not Available". The asparagine amino acid residue is found in multiple mammalian species, which suggests that this missense change does not adversely affect protein function. ClinVar contains an entry for this variant (Variation ID: 1738303). This variant has not been reported in the literature in individuals affected with NPAT-related conditions. This variant is not present in population databases (gnomAD no frequency). This sequence change replaces serine, which is neutral and polar, with asparagine, which is neutral and polar, at codon 1386 of the NPAT protein (p.Ser1386Asn).

Ambry Genetics
Classification: Likely benign. Last evaluated: 2021-07-16. Review status: criteria provided, single submitter. Criteria: Ambry Variant Classification Scheme 2023. Collection method: clinical testing. Allele origin: germline.